The following is an entry in ClinVar:

NM_001040108.2(MLH3):c.1866A>C (p.Glu622Asp)

Gene: MLH3 (mutL homolog 3; minus strand). Cytogenetic location: 14q24.3.
Variant type: single nucleotide variant.
Coding change: c.1866A>C on transcript NM_001040108.2 (MANE Select); coding-DNA position 1866, A replaced by C.
Protein change: p.Glu622Asp; replaces glutamic acid 622 with aspartic acid.
Molecular consequence: missense variant.
Genome position (GRCh38, 1-based): chr14:75,047,790, T>G on the plus strand (A>C on the coding strand, the complement: MLH3 is on the minus strand). VCF-style: chr14-75047790-T-G. GRCh37 (hg19) VCF-style: chr14-75514493-T-G.
Other names: c.1866A>C, p.Glu622Asp (NM_014381.3); short protein forms E622D.
Identifiers: ClinVar variation 1781579 (VCV001781579.2), dbSNP rs2503284410, ClinGen allele CA390443990.

ClinVar aggregate classification (germline): Uncertain significance (1 of 4 stars; one submission).

Submission:

Ambry Genetics
Classification: Uncertain significance. Last evaluated: 2021-02-23. Review status: criteria provided, single submitter. Criteria: Ambry Variant Classification Scheme 2023. Collection method: clinical testing. Allele origin: germline.
Comment: The p.E622D variant (also known as c.1866A>C), located in coding exon 1 of the MLH3 gene, results from an A to C substitution at nucleotide position 1866. The glutamic acid at codon 622 is replaced by aspartic acid, an amino acid with highly similar properties. This amino acid position is not well conserved in available vertebrate species. In addition, this alteration is predicted to be tolerated by in silico analysis. Since supporting evidence is limited at this time, the clinical significance of this alteration remains unclear.